The following is an entry in ClinVar:

NM_017950.4(CCDC40):c.1075C>T (p.Arg359Cys)

Gene: CCDC40 (coiled-coil domain 40 molecular ruler complex subunit; plus strand). Cytogenetic location: 17q25.3.
Variant type: single nucleotide variant.
Coding change: c.1075C>T on transcript NM_017950.4 (MANE Select); coding-DNA position 1075, C replaced by T.
Protein change: p.Arg359Cys; replaces arginine 359 with cysteine.
Molecular consequence: missense variant.
Genome position (GRCh38, 1-based): chr17:80,050,199, C>T. VCF-style: chr17-80050199-C-T. GRCh37 (hg19) VCF-style: chr17-78023998-C-T.
Other names: c.1075C>T, p.Arg359Cys (NM_001243342.2, NM_001330508.2); short protein forms R359C.
Identifiers: ClinVar variation 569839 (VCV000569839.9), dbSNP rs370338926, ClinGen allele CA8813678.
Genomic context (GRCh38, chr17:80,050,199, plus strand): 5'-GTACACCTGCAGAAGCTGCTGGAGAAGAGTCACGACCGCCACGCAATGGCCTCGAGCGAG[C>T]GCAGGCAGAAGGAGGAGGAGCTGCAGGCCGCCCGCGCTCTCTACACCAAGACCTGCGCAG-3'
Protein context (NP_060420.2, residues 349-369): HDRHAMASSE[Arg359Cys]RQKEEELQAA

ClinVar aggregate classification (germline): Uncertain significance. Review status: criteria provided, multiple submitters, no conflicts (2 of 4 stars). 2 submissions from 2 submitters: Uncertain significance (2). Last evaluated 2026-03-23.

Conditions:
Primary ciliary dyskinesia. Also called: Ciliary dyskinesia. Identifiers: Orphanet 244, MedGen C0008780, MONDO:0016575, HP:0012265.

Allele frequency attached by ClinVar (database versions not stated): gnomAD 0.00001; ExAC 0.00002; TOPMed 0.00002; gnomAD exomes 0.00003 and 0.00005; ESP Exome Variant Server 0.00008.
gnomAD v4.1: 80 of 1,611,228 alleles (0.005%); highest among the groups gnomAD compares: Non-Finnish European, 0.0062%; no homozygotes.

Submissions (2):

Ambry Genetics
Classification: Uncertain significance for Primary ciliary dyskinesia. Last evaluated: 2026-03-23. Review status: criteria provided, single submitter. Criteria: Ambry Variant Classification Scheme 2023. Collection method: clinical testing. Allele origin: germline.
Comment: The c.1075C>T (p.R359C) alteration is located in exon 7 (coding exon 7) of the CCDC40 gene. This alteration results from a C to T substitution at nucleotide position 1075, causing the arginine (R) at amino acid position 359 to be replaced by a cysteine (C). Based on data from gnomAD, the T allele has an overall frequency of 0.003% (8/243084) total alleles studied. The highest observed frequency was 0.006% (7/109432) of European (non-Finnish) alleles. Based on insufficient or conflicting evidence, the clinical significance of this alteration remains unclear.

Labcorp Genetics (formerly Invitae), Labcorp
Classification: Uncertain significance for Primary ciliary dyskinesia. Last evaluated: 2020-09-11. Review status: criteria provided, single submitter. Criteria: Invitae Variant Classification Sherloc (09022015). Collection method: clinical testing. Allele origin: germline.
Comment: This sequence change replaces arginine with cysteine at codon 359 of the CCDC40 protein (p.Arg359Cys). The arginine residue is highly conserved and there is a large physicochemical difference between arginine and cysteine. This variant is present in population databases (rs370338926, ExAC 0.02%). This variant has not been reported in the literature in individuals with CCDC40-related disease. Algorithms developed to predict the effect of missense changes on protein structure and function are either unavailable or do not agree on the potential impact of this missense change (SIFT: "Deleterious"; PolyPhen-2: "Probably Damaging"; Align-GVGD: "Class C0"). In summary, the available evidence is currently insufficient to determine the role of this variant in disease. Therefore, it has been classified as a Variant of Uncertain Significance.